The following is an entry in ClinVar:

ClinVar aggregate classification (germline): Uncertain significance (1 of 4 stars; one submission).

Conditions:
Tuberous sclerosis 1 (TSC1). Identifiers: Orphanet 805, MedGen C1854465, MONDO:0008612, OMIM 191100.

Allele frequency attached by ClinVar (database versions not stated): TOPMed below 0.00001.

Submission:

Labcorp Genetics (formerly Invitae), Labcorp
Classification: Uncertain significance for Tuberous sclerosis 1. Last evaluated: 2021-05-21. Review status: criteria provided, single submitter. Criteria: Invitae Variant Classification Sherloc (09022015). Collection method: clinical testing. Allele origin: germline.
Comment: In summary, the available evidence is currently insufficient to determine the role of this variant in disease. Therefore, it has been classified as a Variant of Uncertain Significance. Algorithms developed to predict the effect of missense changes on protein structure and function (SIFT, PolyPhen-2, Align-GVGD) all suggest that this variant is likely to be tolerated, but these predictions have not been confirmed by published functional studies and their clinical significance is uncertain. This variant has not been reported in the literature in individuals with TSC1-related conditions. This variant is not present in population databases (ExAC no frequency). This sequence change replaces histidine with arginine at codon 921 of the TSC1 protein (p.His921Arg). The histidine residue is moderately conserved and there is a small physicochemical difference between histidine and arginine.

NM_000368.5(TSC1):c.2762A>G (p.His921Arg)

Gene: TSC1 (TSC complex subunit 1; minus strand). Cytogenetic location: 9q34.13.
Variant type: single nucleotide variant.
Coding change: c.2762A>G on transcript NM_000368.5 (MANE Select); coding-DNA position 2762, A replaced by G.
Protein change: p.His921Arg; replaces histidine 921 with arginine.
Molecular consequence: missense variant.
Genome position (GRCh38, 1-based): chr9:132,897,474, T>C on the plus strand (A>G on the coding strand, the complement: TSC1 is on the minus strand). VCF-style: chr9-132897474-T-C. GRCh37 (hg19) VCF-style: chr9-135772861-T-C.
Other names: c.2759A>G, p.His920Arg (NM_001162426.2); c.2609A>G, p.His870Arg (NM_001162427.2); c.2399A>G, p.His800Arg (NM_001362177.2); short protein forms H800R, H921R, H920R, H870R.
Identifiers: ClinVar variation 1397099 (VCV001397099.8), dbSNP rs1845140377, ClinGen allele CA375369192.